The following is an entry in ClinVar:

NM_001378454.1(ALMS1):c.5566C>G (p.His1856Asp)

Gene: ALMS1 (ALMS1 centrosome and basal body associated protein; plus strand). Cytogenetic location: 2p13.1.
Variant type: single nucleotide variant.
Coding change: c.5566C>G on transcript NM_001378454.1 (MANE Select); coding-DNA position 5566, C replaced by G.
Protein change: p.His1856Asp; replaces histidine 1856 with aspartic acid.
Molecular consequence: missense variant.
Genome position (GRCh38, 1-based): chr2:73,452,093, C>G. VCF-style: chr2-73452093-C-G. GRCh37 (hg19) VCF-style: chr2-73679220-C-G.
Other names: c.5569C>G, p.His1857Asp (NM_015120.4); short protein forms H1857D, H1856D.
Identifiers: ClinVar variation 553112 (VCV000553112.13), dbSNP rs777664567, ClinGen allele CA1713904.

ClinVar aggregate classification (germline): Conflicting classifications of pathogenicity. Review status: criteria provided, conflicting classifications (1 of 4 stars). 5 submissions from 5 submitters: Uncertain significance (1); Benign (1); Likely benign (1). 2 of the submissions do not count toward it. Last evaluated 2025-08-26.

Conditions:
Cardiovascular phenotype. Identifiers: MedGen CN230736.
Alstrom syndrome (ALMS). Identifiers: Orphanet 64, MedGen C0268425, MONDO:0008763, OMIM 203800.
Hearing impairment. Also called: Impaired Hearing. Identifiers: MedGen C1384666, MONDO:0005365, HP:0000365.

Allele frequency attached by ClinVar (database versions not stated): TOPMed 0.00001; ExAC 0.00002; gnomAD exomes 0.00002.
gnomAD v4.1: 16 of 1,613,902 alleles (0.00099%); highest among the groups gnomAD compares: Middle Eastern, 0.016%; no homozygotes.

Submissions (5):

Ambry Genetics
Classification: Likely benign for Cardiovascular phenotype. Last evaluated: 2025-08-26. Review status: criteria provided, single submitter. Criteria: Ambry Variant Classification Scheme 2023. Collection method: clinical testing. Allele origin: germline.

Labcorp Genetics (formerly Invitae), Labcorp
Classification: Uncertain significance for Alstrom syndrome. Last evaluated: 2024-10-17. Review status: criteria provided, single submitter. Criteria: Invitae Variant Classification Sherloc (09022015). Collection method: clinical testing. Allele origin: germline.
Comment: This sequence change replaces histidine, which is basic and polar, with aspartic acid, which is acidic and polar, at codon 1857 of the ALMS1 protein (p.His1857Asp). This variant is present in population databases (rs777664567, gnomAD 0.01%). This variant has not been reported in the literature in individuals affected with ALMS1-related conditions. ClinVar contains an entry for this variant (Variation ID: 553112). Experimental studies and prediction algorithms are not available or were not evaluated, and the functional significance of this variant is currently unknown. In summary, the available evidence is currently insufficient to determine the role of this variant in disease. Therefore, it has been classified as a Variant of Uncertain Significance.

Cambridge Genomics Laboratory, East Genomic Laboratory Hub, NHS Genomic Medicine Service
Classification: Benign for Hearing impairment. Last evaluated: 2019-04-17. Review status: criteria provided, single submitter. Criteria: ACGS Best Practice Guidelines for Variant Classification in Rare Disease 2020. Collection method: clinical testing. Allele origin: germline. Affected: yes. Observed: 1 variant allele.

Natera, Inc.
Classification: Uncertain significance for Alstrom syndrome. Last evaluated: 2021-08-31. Review status: no assertion criteria provided. Collection method: clinical testing. Allele origin: germline. Not counted in ClinVar's aggregate classification.

Counsyl
Classification: Uncertain significance for Alstrom syndrome. Last evaluated: 2017-07-27. Review status: no assertion criteria provided. Collection method: clinical testing. Allele origin: unknown. Not counted in ClinVar's aggregate classification.